The following is an entry in ClinVar:

NM_000465.4(BARD1):c.1523A>T (p.Asp508Val)

Gene: BARD1 (BRCA1 associated RING domain 1; minus strand). Cytogenetic location: 2q35.
Variant type: single nucleotide variant.
Coding change: c.1523A>T on transcript NM_000465.4 (MANE Select); coding-DNA position 1523, A replaced by T.
Protein change: p.Asp508Val; replaces aspartic acid 508 with valine.
Molecular consequence: missense variant. On other transcripts: non-coding transcript variant (3), intron variant (3).
Genome position (GRCh38, 1-based): chr2:214,767,527, T>A on the plus strand (A>T on the coding strand, the complement: BARD1 is on the minus strand). VCF-style: chr2-214767527-T-A. GRCh37 (hg19) VCF-style: chr2-215632251-T-A.
Other names: c.1466A>T, p.Asp489Val (NM_001282543.2); c.159-14972A>T (NM_001282548.2); c.216-14972A>T (NM_001282545.2); c.364+24770A>T (NM_001282549.2); short protein forms D508V, D489V.
Identifiers: ClinVar variation 481378 (VCV000481378.20), dbSNP rs769529578, ClinGen allele CA2090245.
Genomic context (GRCh38, chr2:214,767,527, plus strand): 5'-CGTTGAACTACTTACACAGCATTTCTGGAGGCTCCATAGGAAAGTAACAGCTTGACTATA[T>A]CCACATGCCCATTCTTGGCTGCATCGTGAAGTGGTGAGTCATTTTGATACCCGGTGGTGT-3'
Protein context (NP_000456.2, residues 498-518): LHDAAKNGHV[Asp508Val]IVKLLLSYGA

ClinVar aggregate classification (germline): Uncertain significance. Review status: criteria provided, multiple submitters, no conflicts (2 of 4 stars). 5 submissions from 5 submitters: Uncertain significance (5). Last evaluated 2025-07-27.

Conditions:
Hereditary cancer-predisposing syndrome. Also called: Hereditary Cancer Syndrome; Neoplastic Syndromes, Hereditary; Tumor predisposition; Hereditary neoplastic syndrome. Identifiers: Orphanet 140162, MedGen C0027672, MeSH D009386, MONDO:0015356.
Familial cancer of breast. Also called: BREAST CANCER, FAMILIAL; Hereditary breast cancer; hereditary breast carcinoma. Identifiers: Orphanet 227535, MedGen C0346153, MONDO:0016419, OMIM 114480. Disease mechanism: loss of function.

Allele frequency attached by ClinVar (database versions not stated): gnomAD exomes below 0.00001; ExAC 0.00001; TOPMed 0.00001.
gnomAD v4.1: 3 of 1,614,052 alleles (0.00019%); highest among the groups gnomAD compares: African/African-American, 0.004%; no homozygotes.

Submissions (5):

Labcorp Genetics (formerly Invitae), Labcorp
Classification: Uncertain significance for Familial cancer of breast. Last evaluated: 2025-07-27. Review status: criteria provided, single submitter. Criteria: Invitae Variant Classification Sherloc (09022015). Collection method: clinical testing. Allele origin: germline.
Comment: This sequence change replaces aspartic acid, which is acidic and polar, with valine, which is neutral and non-polar, at codon 508 of the BARD1 protein (p.Asp508Val). This variant is present in population databases (rs769529578, gnomAD 0.007%). This variant has not been reported in the literature in individuals affected with BARD1-related conditions. ClinVar contains an entry for this variant (Variation ID: 481378). An algorithm developed to predict the effect of missense changes on protein structure and function (PolyPhen-2) suggests that this variant is likely to be disruptive. In summary, the available evidence is currently insufficient to determine the role of this variant in disease. Therefore, it has been classified as a Variant of Uncertain Significance.

Ambry Genetics
Classification: Uncertain significance for Hereditary cancer-predisposing syndrome. Last evaluated: 2025-07-08. Review status: criteria provided, single submitter. Criteria: Ambry Variant Classification Scheme 2023. Collection method: clinical testing. Allele origin: germline.
Comment: The p.D508V variant (also known as c.1523A>T), located in coding exon 6 of the BARD1 gene, results from an A to T substitution at nucleotide position 1523. The aspartic acid at codon 508 is replaced by valine, an amino acid with highly dissimilar properties. This amino acid position is not well conserved in available vertebrate species. In addition, the in silico prediction for this alteration is inconclusive. Since supporting evidence is limited at this time, the clinical significance of this alteration remains unclear.

Color Diagnostics, LLC DBA Color Health
Classification: Uncertain significance for Hereditary cancer-predisposing syndrome. Last evaluated: 2024-03-06. Review status: criteria provided, single submitter. Criteria: ACMG Guidelines, 2015. Collection method: clinical testing. Allele origin: germline.
Comment: This missense variant replaces aspartic acid with valine at codon 508 of the BARD1 protein. Computational prediction suggests that this variant may not impact protein structure and function (internally defined REVEL score threshold <= 0.5, PMID: 27666373). To our knowledge, functional studies have not been reported for this variant. This variant has not been reported in individuals affected with hereditary cancer in the literature. This variant has been identified in 1/251334 chromosomes in the general population by the Genome Aggregation Database (gnomAD). The available evidence is insufficient to determine the role of this variant in disease conclusively. Therefore, this variant is classified as a Variant of Uncertain Significance.

Baylor Genetics
Classification: Uncertain significance for Familial cancer of breast. Last evaluated: 2024-02-16. Review status: criteria provided, single submitter. Criteria: ACMG Guidelines, 2015. Collection method: clinical testing. Allele origin: unknown.

GeneDx
Classification: Uncertain significance. Last evaluated: 2023-11-08. Review status: criteria provided, single submitter. Criteria: GeneDx Variant Classification Process June 2021. Collection method: clinical testing. Allele origin: germline. Affected: yes.
Comment: Not observed at significant frequency in large population cohorts (gnomAD); In silico analysis supports that this missense variant has a deleterious effect on protein structure/function; Has not been previously published as pathogenic or benign to our knowledge; This variant is associated with the following publications: (PMID: 18480049)